The following is an entry in ClinVar:

NM_001429.4(EP300):c.1519A>G (p.Ser507Gly)

Gene: EP300 (EP300 lysine acetyltransferase; plus strand). Cytogenetic location: 22q13.2.
Variant type: single nucleotide variant.
Coding change: c.1519A>G on transcript NM_001429.4 (MANE Select); coding-DNA position 1519, A replaced by G.
Protein change: p.Ser507Gly; replaces serine 507 with glycine.
Molecular consequence: missense variant.
Genome position (GRCh38, 1-based): chr22:41,131,624, A>G. VCF-style: chr22-41131624-A-G. GRCh37 (hg19) VCF-style: chr22-41527628-A-G.
Other names: c.1519A>G, p.Ser507Gly (NM_001362843.2); short protein forms S507G.
Identifiers: ClinVar variation 134065 (VCV000134065.19), dbSNP rs146242251, ClinGen allele CA158540.

ClinVar aggregate classification (germline): Benign/Likely benign. Review status: criteria provided, multiple submitters, no conflicts (2 of 4 stars). 6 submissions from 6 submitters: Benign (1); Likely benign (3). 2 of the submissions do not count toward it. Last evaluated 2026-02-01.

Conditions:
Rubinstein-Taybi syndrome due to CREBBP mutations (RSTS1). Also called: BROAD THUMB-HALLUX SYNDROME; CREBBP-Related Rubinstein-Taybi Syndrome; RUBINSTEIN SYNDROME; Rubinstein-Taybi syndrome 1; BROAD THUMBS AND GREAT TOES, CHARACTERISTIC FACIES, AND IMPAIRED INTELLECTUAL DEVELOPMENT; RUBINSTEIN-TAYBI SYNDROME 1, INCOMPLETE. Identifiers: Orphanet 353277, Orphanet 783, MedGen C4551859, MONDO:0008393, OMIM 180849.
Rubinstein-Taybi syndrome due to EP300 haploinsufficiency. Also called: RUBINSTEIN-TAYBI SYNDROME 2; EP300-Related Rubinstein-Taybi Syndrome. Identifiers: Orphanet 353284, Orphanet 783, MedGen C3150941, MONDO:0013364, OMIM 613684.
Colorectal cancer. Also called: Malignant Colorectal Neoplasm; Colorectal cancer, somatic. Identifiers: MedGen C0346629, MONDO:0005575, OMIM 114500.
Menke-Hennekam syndrome 2 (MKHK2). Identifiers: MedGen C5193035, MONDO:0020769, OMIM 618333.
EP300-related disorder. Also called: EP300-related condition; EP300-related disorders.

Allele frequency attached by ClinVar (database versions not stated): ESP Exome Variant Server 0.00023; gnomAD 0.00070 and 0.00090; gnomAD exomes 0.00075 and 0.00191; TOPMed 0.00115; ExAC 0.00174; 1000 Genomes Project 0.00319; 1000 Genomes Project 30x 0.00328.

Submissions (6):

Labcorp Genetics (formerly Invitae), Labcorp
Classification: Benign for Rubinstein-Taybi syndrome due to EP300 haploinsufficiency. Last evaluated: 2026-02-01. Review status: criteria provided, single submitter. Criteria: Invitae Variant Classification Sherloc (09022015). Collection method: clinical testing. Allele origin: germline.

Fulgent Genetics
Classification: Likely benign for Colorectal cancer; Rubinstein-Taybi syndrome due to CREBBP mutations; Rubinstein-Taybi syndrome due to EP300 haploinsufficiency; Menke-Hennekam syndrome 2. Last evaluated: 2021-08-23. Review status: criteria provided, single submitter. Criteria: ACMG Guidelines, 2015. Collection method: clinical testing. Allele origin: unknown.

GeneDx
Classification: Likely benign. Last evaluated: 2021-01-13. Review status: criteria provided, single submitter. Criteria: GeneDx Variant Classification Process June 2021. Collection method: clinical testing. Allele origin: germline. Affected: yes.

Breakthrough Genomics
Classification: Likely benign. Review status: criteria provided, single submitter. Criteria: ACMG Guidelines, 2015. Collection method: not provided. Allele origin: germline. Inheritance: Autosomal dominant inheritance. Affected: yes.

PreventionGenetics, part of Exact Sciences
Classification: Benign for EP300-related condition. Last evaluated: 2023-11-22. Review status: no assertion criteria provided. Collection method: clinical testing. Allele origin: germline. Not counted in ClinVar's aggregate classification.
Comment: This variant is classified as benign based on ACMG/AMP sequence variant interpretation guidelines (Richards et al. 2015 PMID: 25741868, with internal and published modifications).

ITMI
No classification provided. Condition: AllHighlyPenetrant. Last evaluated: 2013-09-19. Review status: no classification provided. Collection method: reference population. Allele origin: germline. Not counted in ClinVar's aggregate classification.
Comment: Please see associated publication for description of ethnicities

Literature cited by the submitters: PubMed 24728327 (cited by ITMI).